The following is an entry in ClinVar:

NM_001040108.2(MLH3):c.485T>C (p.Met162Thr)

Gene: MLH3 (mutL homolog 3; minus strand). Cytogenetic location: 14q24.3.
Variant type: single nucleotide variant.
Coding change: c.485T>C on transcript NM_001040108.2 (MANE Select); coding-DNA position 485, T replaced by C.
Protein change: p.Met162Thr; replaces methionine 162 with threonine.
Molecular consequence: missense variant.
Genome position (GRCh38, 1-based): chr14:75,049,171, A>G on the plus strand (T>C on the coding strand, the complement: MLH3 is on the minus strand). VCF-style: chr14-75049171-A-G. GRCh37 (hg19) VCF-style: chr14-75515874-A-G.
Other names: c.485T>C, p.Met162Thr (NM_014381.3); short protein forms M162T.
Identifiers: ClinVar variation 5024585 (VCV005024585.1).

ClinVar aggregate classification (germline): Uncertain significance (1 of 4 stars; one submission).

Submission:

Ambry Genetics
Classification: Uncertain significance. Last evaluated: 2026-07-02. Review status: criteria provided, single submitter. Criteria: Ambry Variant Classification Scheme 2023. Collection method: clinical testing. Allele origin: germline.
Comment: The p.M162T variant (also known as c.485T>C), located in coding exon 1 of the MLH3 gene, results from a T to C substitution at nucleotide position 485. The methionine at codon 162 is replaced by threonine, an amino acid with similar properties. This amino acid position is conserved. In addition, the in silico prediction for this alteration is inconclusive. Based on the available evidence, the clinical significance of this variant remains unclear.